The following is an entry in ClinVar:

NM_053025.4(MYLK):c.4093T>A (p.Ser1365Thr)

Gene: MYLK (myosin light chain kinase; minus strand). Cytogenetic location: 3q21.1.
Variant type: single nucleotide variant.
Coding change: c.4093T>A on transcript NM_053025.4 (MANE Select); coding-DNA position 4093, T replaced by A.
Protein change: p.Ser1365Thr; replaces serine 1365 with threonine.
Molecular consequence: missense variant.
Genome position (GRCh38, 1-based): chr3:123,657,321, A>T on the plus strand (T>A on the coding strand, the complement: MYLK is on the minus strand). VCF-style: chr3-123657321-A-T. GRCh37 (hg19) VCF-style: chr3-123376168-A-T.
Other names: c.3565T>A, p.Ser1189Thr (NM_001321309.2); c.3886T>A, p.Ser1296Thr (NM_053026.4, NM_053028.4); c.4093T>A, p.Ser1365Thr (NM_053027.4); c.4093T>A (NM_053025.3); short protein forms S1189T, S1296T, S1365T.
Identifiers: ClinVar variation 994080 (VCV000994080.15), dbSNP rs747543921, ClinGen allele CA070932.

ClinVar aggregate classification (germline): Uncertain significance. Review status: criteria provided, multiple submitters, no conflicts (2 of 4 stars). 4 submissions from 4 submitters: Uncertain significance (4). Last evaluated 2025-06-22.

Conditions:
Familial thoracic aortic aneurysm and aortic dissection (TAAD). Also called: Thoracic aortic aneurysms and dissections. Identifiers: Orphanet 91387, MedGen C4707243, MONDO:0019625.
Aortic aneurysm, familial thoracic 7 (AAT7). Also called: AORTIC DISSECTION, FAMILIAL, WITH OR WITHOUT AORTIC ANEURYSM. Identifiers: MedGen C3151077, MONDO:0013418, OMIM 613780.

Allele frequency attached by ClinVar (database versions not stated): TOPMed below 0.00001; gnomAD 0.00001; gnomAD exomes 0.00001; ExAC 0.00002.
gnomAD v4.1: 12 of 1,613,750 alleles (0.00074%); highest among the groups gnomAD compares: Non-Finnish European, 0.00093%; no homozygotes.

Submissions (4):

Labcorp Genetics (formerly Invitae), Labcorp
Classification: Uncertain significance for Aortic aneurysm, familial thoracic 7. Last evaluated: 2025-06-22. Review status: criteria provided, single submitter. Criteria: Invitae Variant Classification Sherloc (09022015). Collection method: clinical testing. Allele origin: germline.
Comment: This sequence change replaces serine, which is neutral and polar, with threonine, which is neutral and polar, at codon 1365 of the MYLK protein (p.Ser1365Thr). This variant is present in population databases (rs747543921, gnomAD 0.003%). This variant has not been reported in the literature in individuals affected with MYLK-related conditions. ClinVar contains an entry for this variant (Variation ID: 994080). Invitae Evidence Modeling of protein sequence and biophysical properties (such as structural, functional, and spatial information, amino acid conservation, physicochemical variation, residue mobility, and thermodynamic stability) indicates that this missense variant is not expected to disrupt MYLK protein function with a negative predictive value of 80%. In summary, the available evidence is currently insufficient to determine the role of this variant in disease. Therefore, it has been classified as a Variant of Uncertain Significance.

Ambry Genetics
Classification: Uncertain significance for Familial thoracic aortic aneurysm and aortic dissection. Last evaluated: 2023-08-11. Review status: criteria provided, single submitter. Criteria: Ambry Variant Classification Scheme 2023. Collection method: clinical testing. Allele origin: germline.
Comment: The p.S1365T variant (also known as c.4093T>A), located in coding exon 21 of the MYLK gene, results from a T to A substitution at nucleotide position 4093. The serine at codon 1365 is replaced by threonine, an amino acid with similar properties. This amino acid position is conserved. In addition, this alteration is predicted to be tolerated by in silico analysis. Since supporting evidence is limited at this time, the clinical significance of this alteration remains unclear.

Blueprint Genetics
Classification: Uncertain significance. Last evaluated: 2021-09-24. Review status: criteria provided, single submitter. Criteria: ACMG Guidelines, 2015. Collection method: clinical testing. Allele origin: germline.

ARUP Laboratories, Molecular Genetics and Genomics, ARUP Laboratories
Classification: Uncertain significance. Last evaluated: 2020-03-23. Review status: criteria provided, single submitter. Criteria: ARUP Molecular Germline Variant Investigation Process. Collection method: clinical testing. Allele origin: germline.
Comment: The MYLK c.4093T>A; p.Ser1365Thr variant (rs747543921), to our knowledge, is not reported in the medical literature or gene specific databases. This variant is only observed on three alleles in the Genome Aggregation Database, indicating it is not a common polymorphism. The serine at codon 1365 is moderately conserved, and computational analyses (SIFT: tolerated, PolyPhen-2: possibly damaging) predict conflicting effects of this variant on protein structure/function. Due to limited information, the clinical significance of the p.Ser1365Thr variant is uncertain at this time.